The following is an entry in ClinVar:

NM_000719.7(CACNA1C):c.5933A>G (p.Glu1978Gly)

Genes: CACNA1C (calcium voltage-gated channel subunit alpha1 C; plus strand), CACNA1C-AS1 (CACNA1C antisense RNA 1; minus strand). Cytogenetic location: 12p13.33.
Variant type: single nucleotide variant.
Coding change: c.5933A>G on transcript NM_000719.7 (MANE Select); coding-DNA position 5933, A replaced by G.
Protein change: p.Glu1978Gly; replaces glutamic acid 1978 with glycine.
Molecular consequence: missense variant.
Genome position (GRCh38, 1-based): chr12:2,688,595, A>G. VCF-style: chr12-2688595-A-G. GRCh37 (hg19) VCF-style: chr12-2797761-A-G.
Other names: c.6077A>G, p.Glu2026Gly (NM_001129827.2); c.6056A>G, p.Glu2019Gly (NM_001129829.2); c.6038A>G, p.Glu2013Gly (NM_001129830.3, NM_001167624.3); c.6017A>G, p.Glu2006Gly (NM_001129831.2); c.5993A>G, p.Glu1998Gly (NM_001129832.2); c.5990A>G, p.Glu1997Gly (NM_001129833.2, NM_001129834.2, NM_001129835.2); c.5984A>G, p.Glu1995Gly (NM_001129836.2); c.5957A>G, p.Glu1986Gly (NM_001129837.2, NM_001129838.2); and 6 more; short protein forms E1967G, E2019G, E1975G, E1986G, E1997G, E2006G, E2026G, E1995G.
Identifiers: ClinVar variation 960457 (VCV000960457.10), dbSNP rs2097648970, ClinGen allele CA383384597.
Genomic context (GRCh38, chr12:2,688,595, plus strand): 5'-CACCTGGCAGCCGAGGCTGGCCCCCACAGCCCGTCCCCACCCTGCGGCTTGAGGGGGTCG[A>G]GTCCAGTGAGAAACTCAACAGCAGCTTCCCATCCATCCACTGCGGCTCCTGGGCTGAGAC-3'
Protein context (NP_000710.5, residues 1968-1988): PVPTLRLEGV[Glu1978Gly]SSEKLNSSFP

ClinVar aggregate classification (germline): Uncertain significance (1 of 4 stars; one submission).

Conditions:
Long QT syndrome (LQTS). Identifiers: MedGen C0023976, MeSH D008133, MONDO:0002442. Disease mechanism: loss of function. Inheritance: Various modes of inheritance.

Submission:

Labcorp Genetics (formerly Invitae), Labcorp
Classification: Uncertain significance for Long QT syndrome. Last evaluated: 2019-09-04. Review status: criteria provided, single submitter. Criteria: Invitae Variant Classification Sherloc (09022015). Collection method: clinical testing. Allele origin: germline.
Comment: In summary, the available evidence is currently insufficient to determine the role of this variant in disease. Therefore, it has been classified as a Variant of Uncertain Significance. Algorithms developed to predict the effect of missense changes on protein structure and function (SIFT, PolyPhen-2, Align-GVGD) all suggest that this variant is likely to be tolerated, but these predictions have not been confirmed by published functional studies and their clinical significance is uncertain. This variant has not been reported in the literature in individuals with CACNA1C-related conditions. This variant is not present in population databases (ExAC no frequency). This sequence change replaces glutamic acid with glycine at codon 1978 of the CACNA1C protein (p.Glu1978Gly). The glutamic acid residue is weakly conserved and there is a moderate physicochemical difference between glutamic acid and glycine.